The following is an entry in ClinVar:

ClinVar aggregate classification (germline): Uncertain significance (1 of 4 stars; one submission).

Submission:

GeneDx
Classification: Uncertain significance. Last evaluated: 2020-02-06. Review status: criteria provided, single submitter. Criteria: GeneDx Variant Classification Process June 2021. Collection method: clinical testing. Allele origin: germline. Affected: yes.
Comment: Not observed in large population cohorts (Lek et al., 2016); In silico analysis supports that this missense variant has a deleterious effect on protein structure/function; Has not been previously published as pathogenic or benign to our knowledge

NM_000168.6(GLI3):c.1135C>T (p.Pro379Ser)

Gene: GLI3 (GLI family zinc finger 3; minus strand). Cytogenetic location: 7p14.1.
Variant type: single nucleotide variant.
Coding change: c.1135C>T on transcript NM_000168.6 (MANE Select); coding-DNA position 1135, C replaced by T.
Protein change: p.Pro379Ser; replaces proline 379 with serine.
Molecular consequence: missense variant.
Genome position (GRCh38, 1-based): chr7:42,026,306, G>A on the plus strand (C>T on the coding strand, the complement: GLI3 is on the minus strand). VCF-style: chr7-42026306-G-A. GRCh37 (hg19) VCF-style: chr7-42065905-G-A.
Other names: short protein forms P379S.
Identifiers: ClinVar variation 1315252 (VCV001315252.2), dbSNP rs2128732073, ClinGen allele CA367326668.